The following is an entry in ClinVar:

NM_000069.3(CACNA1S):c.736G>T (p.Ala246Ser)

Gene: CACNA1S (calcium voltage-gated channel subunit alpha1 S; minus strand). Cytogenetic location: 1q32.1.
Variant type: single nucleotide variant.
Coding change: c.736G>T on transcript NM_000069.3 (MANE Select); coding-DNA position 736, G replaced by T.
Protein change: p.Ala246Ser; replaces alanine 246 with serine.
Molecular consequence: missense variant.
Genome position (GRCh38, 1-based): chr1:201,089,422, C>A on the plus strand (G>T on the coding strand, the complement: CACNA1S is on the minus strand). VCF-style: chr1-201089422-C-A. GRCh37 (hg19) VCF-style: chr1-201058550-C-A.
Other names: c.736G>T (NM_000069.2); short protein forms A246S.
Identifiers: ClinVar variation 3386400 (VCV003386400.2).

ClinVar aggregate classification (germline): Uncertain significance. Review status: criteria provided, multiple submitters, no conflicts (2 of 4 stars). 2 submissions from 2 submitters: Uncertain significance (2). Last evaluated 2024-12-16.

Conditions:
Malignant hyperthermia, susceptibility to, 5 (MHS5). Also called: CACNA1S-Related Malignant Hyperthermia Susceptibility. Identifiers: Orphanet 423, MedGen C1866077, MONDO:0011163, OMIM 601887.

Submissions (2):

GeneDx
Classification: Uncertain significance. Last evaluated: 2024-12-16. Review status: criteria provided, single submitter. Criteria: GeneDx Variant Classification Process June 2021. Collection method: clinical testing. Allele origin: germline. Affected: yes.
Comment: Not observed at significant frequency in large population cohorts (gnomAD); In silico analysis supports that this missense variant has a deleterious effect on protein structure/function; Has not been previously published as pathogenic or benign to our knowledge

All of Us Research Program, National Institutes of Health
Classification: Uncertain significance for Malignant hyperthermia, susceptibility to, 5. Last evaluated: 2024-05-09. Review status: criteria provided, single submitter. Criteria: ACMG Guidelines, 2015. Collection method: clinical testing. Allele origin: germline. Inheritance: Autosomal dominant inheritance. Observed: 1 variant allele, 1 heterozygote.
Comment: This study involves interpretation of variants in research participants for the purpose of population health screening. Participant phenotype was not available at the time of variant classification. Additional details can be found in publication PMID: 35346344, PMCID: PMC8962531